The following is an entry in ClinVar:

ClinVar aggregate classification (germline): Uncertain significance (1 of 4 stars; one submission).

Allele frequency attached by ClinVar (database versions not stated): TOPMed 0.00002; ExAC 0.00003; gnomAD 0.00001; gnomAD exomes 0.00003.
gnomAD v4.1: 19 of 1,613,828 alleles (0.0012%); highest among the groups gnomAD compares: Admixed American, 0.032%; no homozygotes.

Submission:

Labcorp Genetics (formerly Invitae), Labcorp
Classification: Uncertain significance. Last evaluated: 2024-04-10. Review status: criteria provided, single submitter. Criteria: Invitae Variant Classification Sherloc (09022015). Collection method: clinical testing. Allele origin: germline.
Comment: This sequence change replaces alanine, which is neutral and non-polar, with glycine, which is neutral and non-polar, at codon 462 of the XPO5 protein (p.Ala462Gly). This variant is present in population databases (rs751406720, gnomAD 0.04%). This variant has not been reported in the literature in individuals affected with XPO5-related conditions. ClinVar contains an entry for this variant (Variation ID: 1925411). An algorithm developed to predict the effect of missense changes on protein structure and function (PolyPhen-2) suggests that this variant is likely to be tolerated. In summary, the available evidence is currently insufficient to determine the role of this variant in disease. Therefore, it has been classified as a Variant of Uncertain Significance.

NM_020750.3(XPO5):c.1385C>G (p.Ala462Gly)

Genes: POLR1C (RNA polymerase I and III subunit C; plus strand), XPO5 (exportin 5; minus strand). Cytogenetic location: 6p21.1.
Variant type: single nucleotide variant.
Coding change: c.1385C>G on transcript NM_020750.3 (MANE Select); coding-DNA position 1385, C replaced by G.
Protein change: p.Ala462Gly; replaces alanine 462 with glycine.
Molecular consequence: missense variant. On other transcripts: non-coding transcript variant (1), intron variant (1).
Genome position (GRCh38, 1-based): chr6:43,555,892, G>C on the plus strand (C>G on the coding strand, the complement: XPO5 is on the minus strand). VCF-style: chr6-43555892-G-C. GRCh37 (hg19) VCF-style: chr6-43523629-G-C.
Other names: c.*42+4881G>C (NM_001363658.2); short protein forms A462G.
Identifiers: ClinVar variation 1925411 (VCV001925411.4), dbSNP rs751406720, ClinGen allele CA3826439.